The following is an entry in ClinVar:

NM_001605.3(AARS1):c.549del (p.Cys184fs)

Gene: AARS1 (alanyl-tRNA synthetase 1; minus strand). Cytogenetic location: 16q22.1.
Variant type: Deletion.
Coding change: c.549del on transcript NM_001605.3 (MANE Select); coding-DNA position 549, one base deleted (C; older notation c.549delC).
Protein change: p.Cys184fs; shifts the reading frame from cysteine 184.
Molecular consequence: frameshift variant.
Genome position (GRCh38, 1-based): chr16:70,271,903, G deleted on the plus strand (C on the coding strand, the reverse complement: AARS1 is on the minus strand); the first of 4 consecutive G bases (chr16:70,271,903-70,271,906); deleting any one gives the same sequence. VCF-style (leftmost placement, unchanged base first): chr16-70271902-AG-A. GRCh37 (hg19) VCF-style: chr16-70305805-AG-A.
Other names: c.549delC (NM_001605.2); short protein forms C184fs.
Identifiers: ClinVar variation 4988946 (VCV004988946.1).

ClinVar aggregate classification (germline): Likely pathogenic (1 of 4 stars; one submission).

Conditions:
AARS1-related disorder. Also called: AARS1-related condition.

Submission:

PreventionGenetics, part of Exact Sciences
Classification: Likely pathogenic for AARS1-related condition. Last evaluated: 2026-07-31. Review status: criteria provided, single submitter. Criteria: ACMG Guidelines, 2015. Collection method: clinical testing. Allele origin: germline.
Comment: The AARS1 c.549delC variant is predicted to result in a frameshift and premature protein termination (p.Cys184Valfs*47). To our knowledge, this variant has not been reported in the literature or in a large population database (gnomAD), indicating this variant is rare. Frameshift variants in AARS1 are expected to be pathogenic for autosomal recessive AARS1-related disease (see, for example, Nakayama et al. 2017. PubMed ID: 28493438; Helman et al. 2021. PubMed ID: 34446925). This variant is interpreted as likely pathogenic.